The following is an entry in ClinVar:

NM_005559.4(LAMA1):c.7858G>A (p.Val2620Met)

Gene: LAMA1 (laminin subunit alpha 1; minus strand). Cytogenetic location: 18p11.31.
Variant type: single nucleotide variant.
Coding change: c.7858G>A on transcript NM_005559.4 (MANE Select); coding-DNA position 7858, G replaced by A.
Protein change: p.Val2620Met; replaces valine 2620 with methionine.
Molecular consequence: missense variant.
Genome position (GRCh38, 1-based): chr18:6,958,583, C>T on the plus strand (G>A on the coding strand, the complement: LAMA1 is on the minus strand). VCF-style: chr18-6958583-C-T. GRCh37 (hg19) VCF-style: chr18-6958582-C-T.
Other names: short protein forms V2620M.
Identifiers: ClinVar variation 2134904 (VCV002134904.4), dbSNP rs1600349356, ClinGen allele CA401843325.

ClinVar aggregate classification (germline): Uncertain significance (1 of 4 stars; one submission).

Submission:

Labcorp Genetics (formerly Invitae), Labcorp
Classification: Uncertain significance. Last evaluated: 2023-08-04. Review status: criteria provided, single submitter. Criteria: Invitae Variant Classification Sherloc (09022015). Collection method: clinical testing. Allele origin: germline.
Comment: This sequence change replaces valine, which is neutral and non-polar, with methionine, which is neutral and non-polar, at codon 2620 of the LAMA1 protein (p.Val2620Met). In summary, the available evidence is currently insufficient to determine the role of this variant in disease. Therefore, it has been classified as a Variant of Uncertain Significance. Advanced modeling of protein sequence and biophysical properties (such as structural, functional, and spatial information, amino acid conservation, physicochemical variation, residue mobility, and thermodynamic stability) performed at Invitae indicates that this missense variant is not expected to disrupt LAMA1 protein function. ClinVar contains an entry for this variant (Variation ID: 2134904). This variant has not been reported in the literature in individuals affected with LAMA1-related conditions. This variant is not present in population databases (gnomAD no frequency).